The following is an entry in ClinVar:

NM_000017.4(ACADS):c.1117G>A (p.Val373Met)

Gene: ACADS (acyl-CoA dehydrogenase short chain; plus strand). Cytogenetic location: 12q24.31.
Variant type: single nucleotide variant.
Coding change: c.1117G>A on transcript NM_000017.4 (MANE Select); coding-DNA position 1117, G replaced by A.
Protein change: p.Val373Met; replaces valine 373 with methionine.
Molecular consequence: missense variant.
Genome position (GRCh38, 1-based): chr12:120,739,326, G>A. VCF-style: chr12-120739326-G-A. GRCh37 (hg19) VCF-style: chr12-121177129-G-A.
Other names: c.1105G>A, p.Val369Met (NM_001302554.2); short protein forms V369M, V373M.
Identifiers: ClinVar variation 1430920 (VCV001430920.9), dbSNP rs371934737, ClinGen allele CA6831224.
Genomic context (GRCh38, chr12:120,739,326, plus strand): 5'-CTCCCTCCTGAGCCACTGTTCTCATCTCAGGCCATCCAGATCCTGGGCGGCATGGGCTAC[G>A]TGACAGAGATGCCGGCAGAGCGGCACTACCGCGACGCCCGCATCACTGAGATCTACGAGG-3'
Protein context (NP_000008.1, residues 363-383): AIQILGGMGY[Val373Met]TEMPAERHYR

ClinVar aggregate classification (germline): Uncertain significance (1 of 4 stars; one submission).

Conditions:
Deficiency of butyryl-CoA dehydrogenase (ACADSD). Also called: ACADS DEFICIENCY; SCADH DEFICIENCY; Short-Chain Acyl-CoA Dehydrogenase Deficiency; ACYL-CoA DEHYDROGENASE, SHORT-CHAIN, DEFICIENCY OF; SCAD DEFICIENCY, MILD; SCAD Deficiency. Identifiers: Orphanet 26792, MedGen C0342783, MONDO:0008722, OMIM 201470. Disease mechanism: May be benign.

Allele frequency attached by ClinVar (database versions not stated): gnomAD 0.00001; TOPMed 0.00001; gnomAD exomes 0.00002; ExAC 0.00003; ESP Exome Variant Server 0.00008.
gnomAD v4.1: 26 of 1,612,932 alleles (0.0016%); highest among the groups gnomAD compares: South Asian, 0.0033%; no homozygotes.

Submission:

Labcorp Genetics (formerly Invitae), Labcorp
Classification: Uncertain significance for Deficiency of butyryl-CoA dehydrogenase. Last evaluated: 2022-02-19. Review status: criteria provided, single submitter. Criteria: Invitae Variant Classification Sherloc (09022015). Collection method: clinical testing. Allele origin: germline.
Comment: In summary, the available evidence is currently insufficient to determine the role of this variant in disease. Therefore, it has been classified as a Variant of Uncertain Significance. Advanced modeling of protein sequence and biophysical properties (such as structural, functional, and spatial information, amino acid conservation, physicochemical variation, residue mobility, and thermodynamic stability) performed at Invitae indicates that this missense variant is expected to disrupt ACADS protein function. This variant has not been reported in the literature in individuals affected with ACADS-related conditions. This variant is present in population databases (rs371934737, gnomAD 0.01%). This sequence change replaces valine, which is neutral and non-polar, with methionine, which is neutral and non-polar, at codon 373 of the ACADS protein (p.Val373Met).